The following is an entry in ClinVar:

ClinVar aggregate classification (germline): Likely pathogenic/Likely risk allele. Review status: criteria provided, multiple submitters, no conflicts (2 of 4 stars). 2 submissions from 2 submitters: Likely pathogenic (1); Likely risk allele (1). Last evaluated 2017-09-05.

Conditions:
Maturity-onset diabetes of the young type 1. Also called: MODY, type I; MODY type 1; Diabetes mellitus MODY type 1; MODY HNF4A related; HNF4A-Related Maturity-Onset Diabetes of the Young Type 1; MILD JUVENILE DIABETES MELLITUS. Identifiers: Orphanet 552, MedGen C1852093, MONDO:0007452, OMIM 125850. Disease mechanism: loss of function.
Maturity-onset diabetes of the young (MODY). Also called: Maturity onset diabetes mellitus in young. Identifiers: Orphanet 552, MedGen C0342276, MONDO:0018911, HP:0004904.

Submissions (2):

Translational Genomics Laboratory, University of Maryland School of Medicine
Classification: Likely pathogenic for Maturity-onset diabetes of the young, type 1. Last evaluated: 2017-09-05. Review status: criteria provided, single submitter. Criteria: ACMG Guidelines, 2015. Collection method: clinical testing. Allele origin: germline. Affected: yes.
Comment: The c.192delG variant in codon 64 (exon 2) of the Hepatocyte Nuclear Factor 4-Alpha gene, HNF4A, results in a frame shifting change in the protein with the Lysine at codon 65 being the first changed amino acid. The c.192delG variant was not observed in the NHLBI Exome Sequencing Project (ESP), 1000 Genomes Project, or Exome Aggregation Consortium (ExAC) databases. Loss of function frameshift and nonsense mutations in the HNF4A gene, including ones in exon 2, have been reported previously in patients with Maturity-Onset Diabetes of the Young, Type 1 (MODY1) (23348805). ACMG criteria = PVS1, PM2

Clinical Genomics, Uppaluri K&H Personalized Medicine Clinic
Classification: Likely risk allele for Maturity-onset diabetes of the young. Review status: criteria provided, single submitter. Criteria: K & H Uppaluri Personalized Medicine Clinic Variant Classification & Assertion Criteria_Updated V.1. Collection method: research. Allele origin: unknown. Inheritance: Autosomal dominant inheritance.
Comment: Potent mutations in HNF4A are associated with poor insulin secretion in response to hyperglycemia. Associated with MODY1. Patients initially respond well to sulfonylureas but eventually become insulin dependent. However, more evidence is required to ascertain the role of this particular variant rs1385251852 in MODY, yet.

Literature cited by the submitters: PubMed 23348805 (cited by Translational Genomics Laboratory, University of Maryland School of Medicine); DOI 10.1159/000334532 (cited by Clinical Genomics, Uppaluri K&H Personalized Medicine Clinic); PubMed 18268044 (cited by Clinical Genomics, Uppaluri K&H Personalized Medicine Clinic); PubMed 17563455 (cited by Clinical Genomics, Uppaluri K&H Personalized Medicine Clinic); PubMed 32583173 (cited by Clinical Genomics, Uppaluri K&H Personalized Medicine Clinic); PubMed 35052457 (cited by Clinical Genomics, Uppaluri K&H Personalized Medicine Clinic); PubMed 35118593 (cited by Clinical Genomics, Uppaluri K&H Personalized Medicine Clinic).

NM_175914.5(HNF4A):c.201del (p.Lys68fs)

Gene: HNF4A (hepatocyte nuclear factor 4 alpha; plus strand). Cytogenetic location: 20q13.12.
Variant type: Deletion.
Coding change: c.201del on transcript NM_175914.5 (MANE Select); coding-DNA position 201, one base deleted (G; older notation c.201delG).
Protein change: p.Lys68fs; shifts the reading frame from lysine 68.
Molecular consequence: frameshift variant.
Genome position (GRCh38, 1-based): chr20:44,406,209, G deleted; the last of 2 consecutive G bases (chr20:44,406,208-44,406,209); deleting either gives the same sequence. VCF-style (leftmost placement, unchanged base first): chr20-44406207-CG-C. GRCh37 (hg19) VCF-style: chr20-43034847-CG-C.
Other names: c.267del, p.Lys90fs (NM_000457.6, NM_178849.3, NM_178850.3); c.201del, p.Lys68fs (NM_001030003.3, NM_001030004.3); c.246del, p.Lys83fs (NM_001258355.2); c.192del, p.Lys65fs (NM_001287182.2, NM_001287183.2, NM_001287184.2); c.192delG (NM_001287183.1); short protein forms K68fs, K83fs, K65fs, K90fs.
Identifiers: ClinVar variation 617649 (VCV000617649.2), dbSNP rs1385251852, ClinGen allele CA636173922.